The following is an entry in ClinVar:

ClinVar aggregate classification (germline): Uncertain significance. Review status: criteria provided, multiple submitters, no conflicts (2 of 4 stars). 6 submissions from 6 submitters: Uncertain significance (4). 2 of the submissions do not count toward it. Last evaluated 2025-04-13.

Conditions:
RPGRIP1L-related disorder. Also called: RPGRIP1L-related condition; RPGRIP1L-related disorders. Identifiers: MedGen CN239416.
Joubert syndrome. Also called: Familial aplasia of the vermis; JOUBERT-BOLTSHAUSER SYNDROME. Identifiers: Orphanet 475, MedGen C5979921, MONDO:0018772.
Meckel-Gruber syndrome. Also called: Dysencephalia splachnocystica; DYSENCEPHALIA SPLANCHNOCYSTICA; GRUBER SYNDROME. Identifiers: Orphanet 564, MedGen C0265215, MONDO:0018921.
COACH syndrome 3. Identifiers: MedGen C5436841, MONDO:0030862, OMIM 619113.
Meckel syndrome, type 5 (MKS5). Identifiers: Orphanet 564, MedGen C1969052, MONDO:0012695, OMIM 611561.
Joubert syndrome 7 (JBTS7). Identifiers: Orphanet 220497, MedGen C1969053, MONDO:0012694, OMIM 611560.
Inborn genetic diseases. Identifiers: MedGen C0950123, MeSH D030342.

Allele frequency attached by ClinVar (database versions not stated): gnomAD 0.00002 and 0.00003; TOPMed 0.00003; ExAC 0.00004; gnomAD exomes 0.00004 and 0.00008; ESP Exome Variant Server 0.00015.
gnomAD v4.1: 120 of 1,613,232 alleles (0.0074%); highest among the groups gnomAD compares: Non-Finnish European, 0.0094%; no homozygotes.

Submissions (6):

Ambry Genetics
Classification: Uncertain significance for Inborn genetic diseases. Last evaluated: 2025-04-13. Review status: criteria provided, single submitter. Criteria: Ambry Variant Classification Scheme 2023. Collection method: clinical testing. Allele origin: germline.

Labcorp Genetics (formerly Invitae), Labcorp
Classification: Uncertain significance for Joubert syndrome; Meckel-Gruber syndrome. Last evaluated: 2022-08-22. Review status: criteria provided, single submitter. Criteria: Invitae Variant Classification Sherloc (09022015). Collection method: clinical testing. Allele origin: germline.
Comment: This sequence change replaces valine, which is neutral and non-polar, with alanine, which is neutral and non-polar, at codon 591 of the RPGRIP1L protein (p.Val591Ala). This variant is present in population databases (rs201131571, gnomAD 0.006%). This variant has not been reported in the literature in individuals affected with RPGRIP1L-related conditions. ClinVar contains an entry for this variant (Variation ID: 406249). Algorithms developed to predict the effect of missense changes on protein structure and function are either unavailable or do not agree on the potential impact of this missense change (SIFT: "Deleterious"; PolyPhen-2: "Benign"; Align-GVGD: "Class C0"). In summary, the available evidence is currently insufficient to determine the role of this variant in disease. Therefore, it has been classified as a Variant of Uncertain Significance.

Fulgent Genetics
Classification: Uncertain significance for Joubert syndrome 7; Meckel syndrome, type 5; COACH syndrome 3. Last evaluated: 2022-04-11. Review status: criteria provided, single submitter. Criteria: ACMG Guidelines, 2015. Collection method: clinical testing. Allele origin: unknown.

CeGaT Center for Human Genetics Tuebingen
Classification: Uncertain significance. Last evaluated: 2019-09-01. Review status: criteria provided, single submitter. Criteria: CeGaT Center For Human Genetics Tuebingen Variant Classification Criteria Version 2. Collection method: clinical testing. Allele origin: germline. Affected: yes. Observed: 3 variant alleles.

PreventionGenetics, part of Exact Sciences
Classification: Uncertain significance for RPGRIP1L-related condition. Last evaluated: 2024-08-09. Review status: no assertion criteria provided. Collection method: clinical testing. Allele origin: germline. Not counted in ClinVar's aggregate classification.
Comment: The RPGRIP1L c.1772T>C variant is predicted to result in the amino acid substitution p.Val591Ala. To our knowledge, this variant has not been reported in the literature. This variant is reported in 0.0088% of alleles in individuals of European (Non-Finnish) descent in gnomAD. At this time, the clinical significance of this variant is uncertain due to the absence of conclusive functional and genetic evidence.

Natera, Inc.
Classification: Uncertain significance for Joubert syndrome. Last evaluated: 2020-12-10. Review status: no assertion criteria provided. Collection method: clinical testing. Allele origin: germline. Not counted in ClinVar's aggregate classification.

NM_015272.5(RPGRIP1L):c.1772T>C (p.Val591Ala)

Gene: RPGRIP1L (RPGRIP1 like; minus strand). Cytogenetic location: 16q12.2.
Variant type: single nucleotide variant.
Coding change: c.1772T>C on transcript NM_015272.5 (MANE Select); coding-DNA position 1772, T replaced by C.
Protein change: p.Val591Ala; replaces valine 591 with alanine.
Molecular consequence: missense variant.
Genome position (GRCh38, 1-based): chr16:53,652,915, A>G on the plus strand (T>C on the coding strand, the complement: RPGRIP1L is on the minus strand). VCF-style: chr16-53652915-A-G. GRCh37 (hg19) VCF-style: chr16-53686827-A-G.
Other names: c.1772T>C, p.Val591Ala (NM_001127897.4, NM_001308334.3, NM_001330538.2); c.1772T>C (NM_015272.4); short protein forms V591A.
Identifiers: ClinVar variation 406249 (VCV000406249.46), dbSNP rs201131571, ClinGen allele CA8057705.